The following is an entry in ClinVar:

NR_003051.4(RMRP):n.256C>G

Gene: RMRP (RNA component of mitochondrial RNA processing endoribonuclease; minus strand). Cytogenetic location: 9p13.3.
Variant type: single nucleotide variant.
Genome position: GRCh38 VCF-style: chr9-35657764-G-C. GRCh37 (hg19) VCF-style: chr9-35657761-G-C.
Other names: 254C-G.
Identifiers: ClinVar variation 552376 (VCV000552376.3), dbSNP rs1170858087, ClinGen allele CA464450183.

ClinVar aggregate classification (germline): Likely pathogenic. Review status: criteria provided, single submitter (1 of 4 stars). 3 submissions from 3 submitters: Likely pathogenic (1). 2 of the submissions do not count toward it. Last evaluated 2024-11-01.

Conditions:
Metaphyseal chondrodysplasia, McKusick type (CHH). Also called: Cartilage-Hair Hypoplasia (CHH); Cartilage-hair hypoplasia. Identifiers: Orphanet 175, MedGen C0220748, MONDO:0009595, OMIM 250250.
Anauxetic dysplasia 1 (ANXD1). Also called: Anauxetic Dysplasia (AD). Identifiers: Orphanet 93347, MedGen C4551965, MONDO:0054560, OMIM 607095.

Allele frequency attached by ClinVar (database versions not stated): gnomAD exomes 0.00001.
gnomAD v4.1: 1 of 692,024 alleles (0.00014%); highest among the groups gnomAD compares: African/African-American, 0.0018%; no homozygotes.

Submissions (3):

Natera, Inc.
Classification: Likely pathogenic for Cartilage-hair hypoplasia. Last evaluated: 2024-11-01. Review status: criteria provided, single submitter. Criteria: Natera Variant Classification Schema (03/2026). Collection method: clinical testing. Allele origin: germline.
Comment: The n.255C>G variant in RMRP is characterized as a single nucleotide variant (SNV). This variant is rare in the general population with a frequency below the threshold expected for the associated phenotype(s). This variant has been observed in one or more individuals affected with the associated recessive disease, as either homozygous or compound heterozygous with a second variant (PMID: 16252239). Functional studies show that this variant may disrupt protein function (PMID: 17701897). Computational prediction algorithms indicate this variant is likely to affect gene or protein function. Given the available evidence, this variant is classified as Likely Pathogenic.

Counsyl
Classification: Uncertain significance for Metaphyseal chondrodysplasia, McKusick type. Last evaluated: 2017-06-07. Review status: no assertion criteria provided. Collection method: clinical testing. Allele origin: unknown. Not counted in ClinVar's aggregate classification.

OMIM
Classification: Pathogenic for ANAUXETIC DYSPLASIA 1. Last evaluated: 2005-11-01. Review status: no assertion criteria provided. Collection method: literature only. Allele origin: germline. Not counted in ClinVar's aggregate classification.

Literature cited by the submitters: PubMed 16252239 (cited by 3 submitters); PubMed 17701897 (cited by Natera, Inc. and Counsyl).